The following is an entry in ClinVar:

NM_003611.3(OFD1):c.270A>C (p.Ser90=)

Gene: OFD1 (OFD1 centriole and centriolar satellite protein; plus strand). Cytogenetic location: Xp22.2.
Variant type: single nucleotide variant.
Coding change: c.270A>C on transcript NM_003611.3 (MANE Select); coding-DNA position 270, A replaced by C.
Protein change: p.Ser90=; no amino-acid change (serine 90 retained).
Molecular consequence: synonymous variant. On other transcripts: 5 prime UTR variant (1).
Genome position (GRCh38, 1-based): chrX:13,736,636, A>C. VCF-style: chrX-13736636-A-C. GRCh37 (hg19) VCF-style: chrX-13754755-A-C.
Other names: c.270A>C (NM_003611.2); c.270A>C, p.Ser90= (NM_001330209.2); c.-276A>C (NM_001330210.2).
Identifiers: ClinVar variation 1914528 (VCV001914528.7), dbSNP rs372080814, ClinGen allele CA10351552.

ClinVar aggregate classification (germline): Likely benign. Review status: criteria provided, multiple submitters, no conflicts (2 of 4 stars). 3 submissions from 3 submitters: Likely benign (3). Last evaluated 2026-09-14.

Conditions:
Orofaciodigital syndrome I (OFD1). Also called: OFDS I; Papillon-Leage and Psaume Syndrome; Oral-Facial-Digital Syndrome Type I. Identifiers: Orphanet 2750, MedGen C1510460, MONDO:0010702, OMIM 311200.
Joubert syndrome. Also called: JOUBERT-BOLTSHAUSER SYNDROME; Familial aplasia of the vermis. Identifiers: Orphanet 475, MedGen C5979921, MONDO:0018772.
OFD1-related disorder. Also called: OFD1-related condition.

Allele frequency attached by ClinVar (database versions not stated): TOPMed 0.00001; gnomAD exomes 0.00004; gnomAD 0.00005; ExAC 0.00009; ESP Exome Variant Server 0.00019.
gnomAD v4.1: 56 of 1,208,180 alleles (0.0046%); highest among the groups gnomAD compares: Middle Eastern, 0.023%; no homozygotes.

Submissions (3):

PreventionGenetics, part of Exact Sciences
Classification: Likely benign for OFD1-related condition. Last evaluated: 2026-09-14. Review status: criteria provided, single submitter. Criteria: ACMG Guidelines, 2015. Collection method: clinical testing. Allele origin: germline.
Comment: This variant is classified as likely benign based on ACMG/AMP sequence variant interpretation guidelines (Richards et al. 2015 PMID: 25741868, with internal and published modifications).

Labcorp Genetics (formerly Invitae), Labcorp
Classification: Likely benign for Orofaciodigital syndrome I; Joubert syndrome. Last evaluated: 2025-06-06. Review status: criteria provided, single submitter. Criteria: Invitae Variant Classification Sherloc (09022015). Collection method: clinical testing. Allele origin: germline.

Blueprint Genetics
Classification: Likely benign. Last evaluated: 2023-10-27. Review status: criteria provided, single submitter. Criteria: ACMG Guidelines, 2015. Collection method: clinical testing. Allele origin: germline.